The following is an entry in ClinVar:

ClinVar aggregate classification (germline): Pathogenic (1 of 4 stars; one submission).

Submission:

Labcorp Genetics (formerly Invitae), Labcorp
Classification: Pathogenic. Last evaluated: 2021-01-06. Review status: criteria provided, single submitter. Criteria: Invitae Variant Classification Sherloc (09022015). Collection method: clinical testing. Allele origin: germline.
Comment: For these reasons, this variant has been classified as Pathogenic. This variant has not been reported in the literature in individuals with CFH-related conditions. The frequency data for this variant in the population databases is not available, as this variant may be reported as separate entries in the ExAC database. This sequence change creates a premature translational stop signal (p.Gly600*) in the CFH gene. It is expected to result in an absent or disrupted protein product. Loss-of-function variants in CFH are known to be pathogenic (PMID: 11170896, 14978182, 16621965, 23870792, 25188723).

Literature cited by the submitters: PubMed 11170896; PubMed 14978182; PubMed 16621965; PubMed 23870792; PubMed 25188723.

NM_000186.4(CFH):c.1797_1798delinsGT (p.Gly600Ter)

Gene: CFH (complement factor H; plus strand). Cytogenetic location: 1q31.3.
Variant type: Indel.
Coding change: c.1797_1798delinsGT on transcript NM_000186.4 (MANE Select); coding-DNA positions 1797 to 1798, AG replaced by GT.
Protein change: p.Gly600Ter; replaces glycine 600 with a stop codon.
Molecular consequence: nonsense.
Genome position (GRCh38, 1-based): chr1:196,725,221-196,725,222, AG replaced by GT. VCF-style: chr1-196725221-AG-GT. GRCh37 (hg19) VCF-style: chr1-196694351-AG-GT.
Other names: short protein forms G600*.
Identifiers: ClinVar variation 1459758 (VCV001459758.6), dbSNP rs2149107994, ClinGen allele CA2573131413.